The following is an entry in ClinVar:

ClinVar aggregate classification (germline): Uncertain significance. Review status: criteria provided, multiple submitters, no conflicts (2 of 4 stars). 6 submissions from 6 submitters: Uncertain significance (5). 1 of the submissions does not count toward it. Last evaluated 2024-06-13.

Conditions:
D2HGDH-related disorder. Also called: D2HGDH-related condition.
D-2-hydroxyglutaric aciduria 1 (D2HGA1). Identifiers: Orphanet 79315, MedGen C3152055, MONDO:0024554, OMIM 600721.

Allele frequency attached by ClinVar (database versions not stated): 1000 Genomes Project 30x 0.00016; 1000 Genomes Project 0.00020; gnomAD 0.00052; TOPMed 0.00054; ExAC 0.00060; ESP Exome Variant Server 0.00085; gnomAD exomes 0.00101 and 0.00050.
gnomAD v4.1: 1,529 of 1,612,730 alleles (0.095%); highest among the groups gnomAD compares: Non-Finnish European, 0.13%; 2 homozygotes.

Submissions (6):

Blueprint Genetics
Classification: Uncertain significance. Last evaluated: 2024-06-13. Review status: criteria provided, single submitter. Criteria: ACMG Guidelines, 2015. Collection method: clinical testing. Allele origin: germline.

Labcorp Genetics (formerly Invitae), Labcorp
Classification: Uncertain significance for D-2-hydroxyglutaric aciduria 1. Last evaluated: 2023-11-27. Review status: criteria provided, single submitter. Criteria: Invitae Variant Classification Sherloc (09022015). Collection method: clinical testing. Allele origin: germline.
Comment: This sequence change replaces leucine, which is neutral and non-polar, with phenylalanine, which is neutral and non-polar, at codon 453 of the D2HGDH protein (p.Leu453Phe). This variant is present in population databases (rs145839736, gnomAD 0.1%), and has an allele count higher than expected for a pathogenic variant. This variant has not been reported in the literature in individuals affected with D2HGDH-related conditions. ClinVar contains an entry for this variant (Variation ID: 335319). Advanced modeling of protein sequence and biophysical properties (such as structural, functional, and spatial information, amino acid conservation, physicochemical variation, residue mobility, and thermodynamic stability) performed at Invitae indicates that this missense variant is not expected to disrupt D2HGDH protein function with a negative predictive value of 80%. Experimental studies are conflicting or provide insufficient evidence to determine the effect of this variant on D2HGDH function (PMID: 30908763). In summary, the available evidence is currently insufficient to determine the role of this variant in disease. Therefore, it has been classified as a Variant of Uncertain Significance.

Department of Pathology and Laboratory Medicine, Sinai Health System
Classification: Uncertain significance for D-2-hydroxyglutaric aciduria 1. Last evaluated: 2021-07-30. Review status: criteria provided, single submitter. Criteria: ACMG Guidelines, 2015. Collection method: research. Allele origin: germline.

Illumina Laboratory Services, Illumina
Classification: Uncertain significance for D-2-hydroxyglutaric aciduria 1. Last evaluated: 2018-01-13. Review status: criteria provided, single submitter. Criteria: ICSL Variant Classification Criteria 13 December 2019. Collection method: clinical testing. Allele origin: germline.

Genetic Services Laboratory, University of Chicago
Classification: Uncertain significance. Last evaluated: 2016-11-02. Review status: criteria provided, single submitter. Criteria: ACMG Guidelines, 2015. Collection method: clinical testing. Allele origin: germline. Affected: no.

PreventionGenetics, part of Exact Sciences
Classification: Likely benign for D2HGDH-related condition. Last evaluated: 2024-07-01. Review status: no assertion criteria provided. Collection method: clinical testing. Allele origin: germline. Not counted in ClinVar's aggregate classification.
Comment: This variant is classified as likely benign based on ACMG/AMP sequence variant interpretation guidelines (Richards et al. 2015 PMID: 25741868, with internal and published modifications).

Literature cited by the submitters: PubMed 30908763 (cited by Labcorp Genetics (formerly Invitae), Labcorp).

NM_152783.5(D2HGDH):c.1357C>T (p.Leu453Phe)

Gene: D2HGDH (D-2-hydroxyglutarate dehydrogenase; plus strand). Cytogenetic location: 2q37.3.
Variant type: single nucleotide variant.
Coding change: c.1357C>T on transcript NM_152783.5 (MANE Select); coding-DNA position 1357, C replaced by T.
Protein change: p.Leu453Phe; replaces leucine 453 with phenylalanine.
Molecular consequence: missense variant. On other transcripts: non-coding transcript variant (1).
Genome position (GRCh38, 1-based): chr2:241,767,760, C>T. VCF-style: chr2-241767760-C-T. GRCh37 (hg19) VCF-style: chr2-242707175-C-T.
Other names: c.955C>T, p.Leu319Phe (NM_001287249.2); c.796C>T, p.Leu266Phe (NM_001352824.2); short protein forms L453F, L319F, L266F.
Identifiers: ClinVar variation 335319 (VCV000335319.17), dbSNP rs145839736, ClinGen allele CA2222214.